The following is an entry in ClinVar:

ClinVar aggregate classification (germline): Benign/Likely benign. Review status: criteria provided, multiple submitters, no conflicts (2 of 4 stars). 3 submissions from 3 submitters: Benign (1); Likely benign (1). 1 of the submissions does not count toward it. Last evaluated 2026-02-01.

Conditions:
PPA2-related disorder. Also called: PPA2-related condition; PPA2-related disorders.

Allele frequency attached by ClinVar (database versions not stated): gnomAD exomes 0.00022 and 0.00050; gnomAD 0.00025 and 0.00032; TOPMed 0.00044; ExAC 0.00046; 1000 Genomes Project 30x 0.00109; 1000 Genomes Project 0.00140.
gnomAD v4.1: 361 of 1,608,274 alleles (0.022%); highest among the groups gnomAD compares: East Asian, 0.71%; 2 homozygotes.

Submissions (3):

Labcorp Genetics (formerly Invitae), Labcorp
Classification: Benign. Last evaluated: 2026-02-01. Review status: criteria provided, single submitter. Criteria: Invitae Variant Classification Sherloc (09022015). Collection method: clinical testing. Allele origin: germline.

Blueprint Genetics
Classification: Likely benign. Last evaluated: 2024-07-18. Review status: criteria provided, single submitter. Criteria: ACMG Guidelines, 2015. Collection method: clinical testing. Allele origin: germline.

PreventionGenetics, part of Exact Sciences
Classification: Likely benign for PPA2-related condition. Last evaluated: 2019-04-01. Review status: no assertion criteria provided. Collection method: clinical testing. Allele origin: germline. Not counted in ClinVar's aggregate classification.
Comment: This variant is classified as likely benign based on ACMG/AMP sequence variant interpretation guidelines (Richards et al. 2015 PMID: 25741868, with internal and published modifications).

NM_176869.3(PPA2):c.627G>A (p.Ala209=)

Gene: PPA2 (inorganic pyrophosphatase 2; minus strand). Cytogenetic location: 4q24.
Variant type: single nucleotide variant.
Coding change: c.627G>A on transcript NM_176869.3 (MANE Select); coding-DNA position 627, G replaced by A.
Protein change: p.Ala209=; no amino-acid change (alanine 209 retained).
Molecular consequence: synonymous variant. On other transcripts: intron variant (1).
Genome position (GRCh38, 1-based): chr4:105,424,224, C>T on the plus strand (G>A on the coding strand, the complement: PPA2 is on the minus strand). VCF-style: chr4-105424224-C-T. GRCh37 (hg19) VCF-style: chr4-106345381-C-T.
Other names: c.540G>A, p.Ala180= (NM_006903.4); c.321G>A, p.Ala107= (NM_176866.2); c.158-25060G>A (NM_176867.3).
Identifiers: ClinVar variation 735007 (VCV000735007.11), dbSNP rs189755896, ClinGen allele CA3032479.